The following is an entry in ClinVar:

ClinVar aggregate classification (germline): Likely pathogenic (1 of 4 stars; one submission).

Submission:

Mayo Clinic Laboratories, Mayo Clinic
Classification: Likely pathogenic. Last evaluated: 2025-04-04. Review status: criteria provided, single submitter. Criteria: ACMG Guidelines, 2015. Collection method: clinical testing. Allele origin: germline. Observed: 1 variant allele.
Comment: PM2_supporting, PVS1

NM_001042492.3(NF1):c.747_748del (p.Leu249_Phe250insTer)

Gene: NF1 (neurofibromin 1; plus strand). Cytogenetic location: 17q11.2.
Variant type: Deletion.
Coding change: c.747_748del on transcript NM_001042492.3 (MANE Select); coding-DNA positions 747 to 748, 2 bases deleted (AT; older notation c.747_748delAT).
Protein change: p.Leu249_Phe250insTer.
Molecular consequence: frameshift variant. On other transcripts: nonsense (1).
Genome position (GRCh38, 1-based): chr17:31,182,524-31,182,525, AT deleted; deleting any 2 consecutive bases within chr17:31,182,523-31,182,525 gives the same sequence; the c. name uses the placement nearest the transcript's 3' end. VCF-style (leftmost placement, unchanged base first): chr17-31182522-CTA-C. GRCh37 (hg19) VCF-style: chr17-29509540-CTA-C.
Other names: p.Phe250*; c.747_748delAT, p.Phe250Terfs (NM_000267.3); c.747_748del, p.Leu249_Phe250insTer (NM_000267.4, NM_001128147.3).
Identifiers: ClinVar variation 4542144 (VCV004542144.1).